The following is an entry in ClinVar:

NM_007194.4(CHEK2):c.593T>G (p.Val198Gly)

Gene: CHEK2 (checkpoint kinase 2; minus strand). Cytogenetic location: 22q12.1.
Variant type: single nucleotide variant.
Coding change: c.593T>G on transcript NM_007194.4 (MANE Select); coding-DNA position 593, T replaced by G.
Protein change: p.Val198Gly; replaces valine 198 with glycine.
Molecular consequence: missense variant. On other transcripts: 5 prime UTR variant (2), intron variant (1).
Genome position (GRCh38, 1-based): chr22:28,719,485, A>C on the plus strand (T>G on the coding strand, the complement: CHEK2 is on the minus strand). VCF-style: chr22-28719485-A-C. GRCh37 (hg19) VCF-style: chr22-29115473-A-C.
Other names: c.722T>G, p.Val241Gly (NM_001005735.3, NM_001438294.1); c.-71T>G (NM_001257387.3, NM_001437942.1); c.686T>G, p.Val229Gly (NM_001438293.1, NM_001438295.1); c.593T>G, p.Val198Gly (NM_145862.3); c.482+5401T>G (NM_001349956.3); short protein forms V198G, V241G, V229G.
Identifiers: ClinVar variation 1406253 (VCV001406253.9), dbSNP rs1601806153, ClinGen allele CA411105158.
Genomic context (GRCh38, chr22:28,719,485, plus strand): 5'-TCTCTTAATGCCTTAGGATAAACTGACTGATCATCTACAGTCAGATCAAAAAAGACAAAA[A>C]CTAAGGAAGAAAAGAGTAGAAATGGGTTTCATTAATTTATTCACAAGAGGCGATCACTGA-3'
Protein context (NP_009125.1, residues 188-208): EIALSLSRNK[Val198Gly]FVFFDLTVDD

ClinVar aggregate classification (germline): Uncertain significance. Review status: criteria provided, multiple submitters, no conflicts (2 of 4 stars). 2 submissions from 2 submitters: Uncertain significance (2). Last evaluated 2025-11-24.

Conditions:
Hereditary cancer-predisposing syndrome. Also called: Hereditary neoplastic syndrome; Hereditary Cancer Syndrome; Neoplastic Syndromes, Hereditary; Tumor predisposition. Identifiers: Orphanet 140162, MedGen C0027672, MeSH D009386, MONDO:0015356.
Familial cancer of breast. Also called: hereditary breast carcinoma; BREAST CANCER, FAMILIAL; Hereditary breast cancer. Identifiers: Orphanet 227535, MedGen C0346153, MONDO:0016419, OMIM 114480. Disease mechanism: loss of function.

Submissions (2):

Labcorp Genetics (formerly Invitae), Labcorp
Classification: Uncertain significance for Familial cancer of breast. Last evaluated: 2025-11-24. Review status: criteria provided, single submitter. Criteria: Invitae Variant Classification Sherloc (09022015). Collection method: clinical testing. Allele origin: germline.
Comment: This sequence change replaces valine, which is neutral and non-polar, with glycine, which is neutral and non-polar, at codon 198 of the CHEK2 protein (p.Val198Gly). This variant is not present in population databases (gnomAD no frequency). This variant has not been reported in the literature in individuals affected with CHEK2-related conditions. ClinVar contains an entry for this variant (Variation ID: 1406253). An algorithm developed to predict the effect of missense changes on protein structure and function (PolyPhen-2) suggests that this variant is likely to be disruptive. RNA analysis performed to evaluate the impact of this missense change on mRNA splicing indicates it does not significantly alter splicing (internal data). In summary, the available evidence is currently insufficient to determine the role of this variant in disease. Therefore, it has been classified as a Variant of Uncertain Significance.

Ambry Genetics
Classification: Uncertain significance for Hereditary cancer-predisposing syndrome. Last evaluated: 2023-10-27. Review status: criteria provided, single submitter. Criteria: Ambry Variant Classification Scheme 2023. Collection method: clinical testing. Allele origin: germline.
Comment: The p.V198G variant (also known as c.593T>G) is located in coding exon 4 of the CHEK2 gene. The valine at codon 198 is replaced by glycine, an amino acid with dissimilar properties. This change occurs in the first base pair of coding exon 4. This amino acid position is highly conserved in available vertebrate species. In addition, this alteration is predicted to be deleterious by in silico analysis. Since supporting evidence is limited at this time, the clinical significance of this alteration remains unclear.